The following is an entry in ClinVar:

NM_000497.4(CYP11B1):c.954+1G>C

Genes: CYP11B1 (cytochrome P450 family 11 subfamily B member 1; minus strand), LOC106799833 (CYP11B1 recombination region; plus strand). Cytogenetic location: 8q24.3.
Variant type: single nucleotide variant.
Coding change: c.954+1G>C on transcript NM_000497.4 (MANE Select); the canonical splice donor site of the intron after coding-DNA position 954, G replaced by C.
Molecular consequence: splice donor variant.
Genome position (GRCh38, 1-based): chr8:142,876,240, C>G on the plus strand (G>C on the coding strand, the complement: CYP11B1 is on the minus strand). VCF-style: chr8-142876240-C-G. GRCh37 (hg19) VCF-style: chr8-143957656-C-G.
Other names: c.954+1G>C (NM_001026213.1).
Identifiers: ClinVar variation 1454761 (VCV001454761.6), dbSNP rs1816943902, ClinGen allele CA372395013.

ClinVar aggregate classification (germline): Pathogenic (1 of 4 stars; one submission).

Submission:

Labcorp Genetics (formerly Invitae), Labcorp
Classification: Pathogenic. Last evaluated: 2021-08-28. Review status: criteria provided, single submitter. Criteria: Invitae Variant Classification Sherloc (09022015). Collection method: clinical testing. Allele origin: germline.
Comment: This sequence change affects a donor splice site in intron 5 of the CYP11B1 gene. It is expected to disrupt RNA splicing. Variants that disrupt the donor or acceptor splice site typically lead to a loss of protein function (PMID: 16199547), and loss-of-function variants in CYP11B1 are known to be pathogenic (PMID: 8506298, 26476331). This variant is not present in population databases (ExAC no frequency). Disruption of this splice site has been observed in individual(s) with autosomal recessive congenital adrenal hyperplasia due to 11-beta-hydroxylase deficiency (PMID: 9435454, 17172090). In at least one individual the data is consistent with the variant being in trans (on the opposite chromosome) from a pathogenic variant. This variant is also known as c.318+1G>C. Algorithms developed to predict the effect of sequence changes on RNA splicing suggest that this variant may disrupt the consensus splice site. For these reasons, this variant has been classified as Pathogenic.

Literature cited by the submitters: PubMed 16199547; PubMed 8506298; PubMed 26476331; PubMed 9435454; PubMed 17172090.